The following is an entry in ClinVar:

NM_172107.4(KCNQ2):c.1394G>A (p.Arg465Gln)

Gene: KCNQ2 (potassium voltage-gated channel subfamily Q member 2; minus strand). Cytogenetic location: 20q13.33.
Variant type: single nucleotide variant.
Coding change: c.1394G>A on transcript NM_172107.4 (MANE Select); coding-DNA position 1394, G replaced by A.
Protein change: p.Arg465Gln; replaces arginine 465 with glutamine.
Molecular consequence: missense variant.
Genome position (GRCh38, 1-based): chr20:63,415,034, C>T on the plus strand (G>A on the coding strand, the complement: KCNQ2 is on the minus strand). VCF-style: chr20-63415034-C-T. GRCh37 (hg19) VCF-style: chr20-62046387-C-T.
Other names: c.1310G>A, p.Arg437Gln (NM_004518.6); c.1340G>A, p.Arg447Gln (NM_172106.3); c.1304G>A, p.Arg435Gln (NM_172108.5); c.1394G>A (NM_172107.3); short protein forms R435Q, R447Q, R437Q, R465Q.
Identifiers: ClinVar variation 861986 (VCV000861986.11), dbSNP rs1459078042, ClinGen allele CA409646680.

ClinVar aggregate classification (germline): Uncertain significance. Review status: criteria provided, multiple submitters, no conflicts (2 of 4 stars). 2 submissions from 2 submitters: Uncertain significance (2). Last evaluated 2025-12-22.

Conditions:
Early-infantile DEE. Also called: Early infantile epileptic encephalopathy; Early infantile epileptic encephalopathy with suppression bursts; Ohtahara syndrome. Identifiers: Orphanet 1934, MedGen C0393706, MONDO:0800491.

Allele frequency attached by ClinVar (database versions not stated): gnomAD exomes below 0.00001; gnomAD 0.00001.
gnomAD v4.1: 4 of 1,609,362 alleles (0.00025%); highest among the groups gnomAD compares: African/African-American, 0.0027%; no homozygotes.

Submissions (2):

Labcorp Genetics (formerly Invitae), Labcorp
Classification: Uncertain significance for Early-infantile DEE. Last evaluated: 2025-12-22. Review status: criteria provided, single submitter. Criteria: Invitae Variant Classification Sherloc (09022015). Collection method: clinical testing. Allele origin: germline.
Comment: This sequence change replaces arginine, which is basic and polar, with glutamine, which is neutral and polar, at codon 465 of the KCNQ2 protein (p.Arg465Gln). This variant is present in population databases (no rsID available, gnomAD 0.01%). This variant has not been reported in the literature in individuals affected with KCNQ2-related conditions. ClinVar contains an entry for this variant (Variation ID: 861986). Invitae Evidence Modeling of protein sequence and biophysical properties (such as structural, functional, and spatial information, amino acid conservation, physicochemical variation, residue mobility, and thermodynamic stability) has been performed for this missense variant. However, the output from this modeling did not meet the statistical confidence thresholds required to predict the impact of this variant on KCNQ2 protein function. In summary, the available evidence is currently insufficient to determine the role of this variant in disease. Therefore, it has been classified as a Variant of Uncertain Significance.

Women's Health and Genetics/Laboratory Corporation of America, LabCorp
Classification: Uncertain significance. Last evaluated: 2023-07-20. Review status: criteria provided, single submitter. Criteria: LabCorp Variant Classification Summary - May 2015. Collection method: clinical testing. Allele origin: germline.
Comment: Variant summary: KCNQ2 c.1394G>A (p.Arg465Gln) results in a conservative amino acid change in the encoded protein sequence. Three of five in-silico tools predict a benign effect of the variant on protein function. The variant was absent in 243852 control chromosomes. The available data on variant occurrences in the general population are insufficient to allow any conclusion about variant significance. To our knowledge, no occurrence of c.1394G>A in individuals affected with KCNQ2-Related Disorders and no experimental evidence demonstrating its impact on protein function have been reported. One submitter has cited clinical-significance assessments for this variant to ClinVar after 2014 and has classified the variant as uncertain significance. Based on the evidence outlined above, the variant was classified as uncertain significance.